The following is an entry in ClinVar:

ClinVar aggregate classification (germline): Uncertain significance (1 of 4 stars; one submission).

gnomAD v4.1: 22 of 1,552,316 alleles (0.0014%); highest among the groups gnomAD compares: Non-Finnish European, 0.0018%; no homozygotes.

Submission:

Labcorp Genetics (formerly Invitae), Labcorp
Classification: Uncertain significance. Last evaluated: 2024-04-16. Review status: criteria provided, single submitter. Criteria: Invitae Variant Classification Sherloc (09022015). Collection method: clinical testing. Allele origin: germline.
Comment: This sequence change replaces proline, which is neutral and non-polar, with serine, which is neutral and polar, at codon 223 of the TCF3 protein (p.Pro223Ser). This variant is not present in population databases (gnomAD no frequency). This variant has not been reported in the literature in individuals affected with TCF3-related conditions. Advanced modeling of protein sequence and biophysical properties (such as structural, functional, and spatial information, amino acid conservation, physicochemical variation, residue mobility, and thermodynamic stability) performed at Invitae indicates that this missense variant is not expected to disrupt TCF3 protein function with a negative predictive value of 80%. In summary, the available evidence is currently insufficient to determine the role of this variant in disease. Therefore, it has been classified as a Variant of Uncertain Significance.

NM_003200.5(TCF3):c.667C>T (p.Pro223Ser)

Gene: TCF3 (transcription factor 3; minus strand). Cytogenetic location: 19p13.3.
Variant type: single nucleotide variant.
Coding change: c.667C>T on transcript NM_003200.5 (MANE Select); coding-DNA position 667, C replaced by T.
Protein change: p.Pro223Ser; replaces proline 223 with serine.
Molecular consequence: missense variant.
Genome position (GRCh38, 1-based): chr19:1,622,209, G>A on the plus strand (C>T on the coding strand, the complement: TCF3 is on the minus strand). VCF-style: chr19-1622209-G-A. GRCh37 (hg19) VCF-style: chr19-1622208-G-A.
Other names: c.667C>T, p.Pro223Ser (NM_001136139.4, NM_001351778.2, NM_001351779.2); short protein forms P223S.
Identifiers: ClinVar variation 3715734 (VCV003715734.2).